The following is an entry in ClinVar:

NM_000041.4(APOE):c.737G>A (p.Arg246His)

Gene: APOE (apolipoprotein E; plus strand). Cytogenetic location: 19q13.32.
Variant type: single nucleotide variant.
Coding change: c.737G>A on transcript NM_000041.4 (MANE Select); coding-DNA position 737, G replaced by A.
Protein change: p.Arg246His; replaces arginine 246 with histidine.
Molecular consequence: missense variant.
Genome position (GRCh38, 1-based): chr19:44,909,033, G>A. VCF-style: chr19-44909033-G-A. GRCh37 (hg19) VCF-style: chr19-45412290-G-A.
Other names: c.815G>A, p.Arg272His (NM_001302688.2); c.737G>A, p.Arg246His (NM_001302689.2, NM_001302690.2, NM_001302691.2); short protein forms R272H, R246H.
Identifiers: ClinVar variation 3934668 (VCV003934668.1).

ClinVar aggregate classification (germline): Uncertain significance (1 of 4 stars; one submission).

Conditions:
Cardiovascular phenotype. Identifiers: MedGen CN230736.

Submission:

Ambry Genetics
Classification: Uncertain significance for Cardiovascular phenotype. Last evaluated: 2025-06-01. Review status: criteria provided, single submitter. Criteria: Ambry Variant Classification Scheme 2023. Collection method: clinical testing. Allele origin: germline.
Comment: The p.R246H variant (also known as c.737G>A), located in coding exon 3 of the APOE gene, results from a G to A substitution at nucleotide position 737. The arginine at codon 246 is replaced by histidine, an amino acid with highly similar properties. This amino acid position is conserved. In addition, this alteration is predicted to be tolerated by in silico analysis. Based on the available evidence, the clinical significance of this variant remains unclear.